The following is an entry in ClinVar:

NC_000011.9:g.(?_108151712)_(108236288_?)del

Gene: ATM (ATM serine/threonine kinase; plus strand). Cytogenetic location: 11q22.3.
Variant type: Deletion.
Identifiers: ClinVar variation 3244472 (VCV003244472.1).

ClinVar aggregate classification (germline): Pathogenic (1 of 4 stars; one submission).

Conditions:
Ataxia-telangiectasia syndrome (AT). Also called: LOUIS-BAR SYNDROME; Cerebello-oculocutaneous telangiectasia; Immunodeficiency with ataxia telangiectasia; AT, COMPLEMENTATION GROUP C; Ataxia-telangiectasia, complementation group D; ATAXIA-TELANGIECTASIA, COMPLEMENTATION GROUP A. Identifiers: Orphanet 100, MedGen C0004135, MONDO:0008840, OMIM 208900.

Submission:

Labcorp Genetics (formerly Invitae), Labcorp
Classification: Pathogenic for Ataxia-telangiectasia syndrome. Last evaluated: 2023-11-17. Review status: criteria provided, single submitter. Criteria: Invitae Variant Classification Sherloc (09022015). Collection method: clinical testing. Allele origin: unknown.
Comment: This variant is a gross deletion of the genomic region encompassing exon(s) 24-63 of the ATM gene, which includes the termination codon. This deletion extends beyond the assayed region for this gene and therefore may encompass additional genes. While this deletion is not anticipated to lead to nonsense mediated decay, it is expected to alter mRNA translation or result in a truncated protein product. This variant has not been reported in the literature in individuals affected with ATM-related conditions. The region of the ATM gene that includes exon(s) 62-63 has been determined to be clinically significant (PMID: 9443866, 9792409, 25614872). Therefore, deletions that encompass that region are likely to be disease-causing. For these reasons, this variant has been classified as Pathogenic.

Literature cited by the submitters: PubMed 9443866; PubMed 9792409; PubMed 25614872.